The following is an entry in ClinVar:

NM_000553.6(WRN):c.4133C>T (p.Ser1378Phe)

Gene: WRN (WRN RecQ like helicase; plus strand). Cytogenetic location: 8p12.
Variant type: single nucleotide variant.
Coding change: c.4133C>T on transcript NM_000553.6 (MANE Select); coding-DNA position 4133, C replaced by T.
Protein change: p.Ser1378Phe; replaces serine 1378 with phenylalanine.
Molecular consequence: missense variant.
Genome position (GRCh38, 1-based): chr8:31,167,172, C>T. VCF-style: chr8-31167172-C-T. GRCh37 (hg19) VCF-style: chr8-31024688-C-T.
Other names: short protein forms S1378F.
Identifiers: ClinVar variation 1388601 (VCV001388601.6), dbSNP rs2130515172, ClinGen allele CA370909793.

ClinVar aggregate classification (germline): Uncertain significance (1 of 4 stars; one submission).

Conditions:
Werner syndrome (WRN). Identifiers: Orphanet 902, MedGen C0043119, MONDO:0010196, OMIM 277700.

Submission:

Labcorp Genetics (formerly Invitae), Labcorp
Classification: Uncertain significance for Werner syndrome. Last evaluated: 2024-04-10. Review status: criteria provided, single submitter. Criteria: Invitae Variant Classification Sherloc (09022015). Collection method: clinical testing. Allele origin: germline.
Comment: This sequence change replaces serine, which is neutral and polar, with phenylalanine, which is neutral and non-polar, at codon 1378 of the WRN protein (p.Ser1378Phe). This variant is not present in population databases (gnomAD no frequency). This variant has not been reported in the literature in individuals affected with WRN-related conditions. ClinVar contains an entry for this variant (Variation ID: 1388601). An algorithm developed to predict the effect of missense changes on protein structure and function (PolyPhen-2) suggests that this variant is likely to be disruptive. In summary, the available evidence is currently insufficient to determine the role of this variant in disease. Therefore, it has been classified as a Variant of Uncertain Significance.